The following is an entry in ClinVar:

ClinVar aggregate classification (germline): Benign/Likely benign. Review status: criteria provided, multiple submitters, no conflicts (2 of 4 stars). 3 submissions from 3 submitters: Benign (1); Likely benign (2). Last evaluated 2026-07-09.

Conditions:
Hereditary cancer-predisposing syndrome. Also called: Hereditary neoplastic syndrome; Neoplastic Syndromes, Hereditary; Tumor predisposition; Hereditary Cancer Syndrome. Identifiers: Orphanet 140162, MedGen C0027672, MeSH D009386, MONDO:0015356.
Rhabdoid tumor predisposition syndrome 2 (RTPS2). Identifiers: Orphanet 231108, Orphanet 69077, MedGen C2750074, MONDO:0013224, OMIM 613325.

Allele frequency attached by ClinVar (database versions not stated): gnomAD exomes below 0.00001.
gnomAD v4.1: 2 of 1,602,240 alleles (0.00012%); highest among the groups gnomAD compares: South Asian, 0.0022%; no homozygotes.

Submissions (3):

Myriad Genetics, Inc.
Classification: Benign for Rhabdoid tumor predisposition syndrome 2. Last evaluated: 2026-07-09. Review status: criteria provided, single submitter. Criteria: Myriad Autosomal Dominant, Autosomal Recessive and X-Linked Classification Criteria (2023). Collection method: clinical testing. Allele origin: unknown.
Comment: This variant is considered benign. This variant is a silent/synonymous amino acid change and it is not expected to impact splicing.

Ambry Genetics
Classification: Likely benign for Hereditary cancer-predisposing syndrome. Last evaluated: 2026-02-08. Review status: criteria provided, single submitter. Criteria: Ambry Variant Classification Scheme 2023. Collection method: clinical testing. Allele origin: germline.

Labcorp Genetics (formerly Invitae), Labcorp
Classification: Likely benign for Rhabdoid tumor predisposition syndrome 2. Last evaluated: 2024-04-10. Review status: criteria provided, single submitter. Criteria: Invitae Variant Classification Sherloc (09022015). Collection method: clinical testing. Allele origin: germline.

NM_003072.5(SMARCA4):c.936C>T (p.Ser312=)

Gene: SMARCA4 (SWI/SNF related BAF chromatin remodeling complex subunit ATPase 4; plus strand). Cytogenetic location: 19p13.2.
Variant type: single nucleotide variant.
Coding change: c.936C>T on transcript NM_003072.5 (MANE Select); coding-DNA position 936, C replaced by T.
Protein change: p.Ser312=; no amino-acid change (serine 312 retained).
Molecular consequence: synonymous variant. On other transcripts: non-coding transcript variant (1).
Genome position (GRCh38, 1-based): chr19:10,987,742, C>T. VCF-style: chr19-10987742-C-T. GRCh37 (hg19) VCF-style: chr19-11098418-C-T.
Other names: c.936C>T, p.Ser312= (NM_001128844.3, NM_001128845.2, NM_001128846.2 and 4 more transcripts).
Identifiers: ClinVar variation 800118 (VCV000800118.12), dbSNP rs1337803779, ClinGen allele CA505489653.